The following is an entry in ClinVar:

NM_003239.5(TGFB3):c.23C>T (p.Ala8Val)

Gene: TGFB3 (transforming growth factor beta 3; minus strand). Cytogenetic location: 14q24.3.
Variant type: single nucleotide variant.
Coding change: c.23C>T on transcript NM_003239.5 (MANE Select); coding-DNA position 23, C replaced by T.
Protein change: p.Ala8Val; replaces alanine 8 with valine.
Molecular consequence: missense variant.
Genome position (GRCh38, 1-based): chr14:75,980,871, G>A on the plus strand (C>T on the coding strand, the complement: TGFB3 is on the minus strand). VCF-style: chr14-75980871-G-A. GRCh37 (hg19) VCF-style: chr14-76447214-G-A.
Other names: c.23C>T, p.Ala8Val (NM_001329938.2, NM_001329939.2); short protein forms A8V.
Identifiers: ClinVar variation 2662498 (VCV002662498.1), dbSNP rs2503024336, ClinGen allele CA390471930.

ClinVar aggregate classification (germline): Uncertain significance (1 of 4 stars; one submission).

Submission:

GeneDx
Classification: Uncertain significance. Last evaluated: 2023-04-03. Review status: criteria provided, single submitter. Criteria: GeneDx Variant Classification Process June 2021. Collection method: clinical testing. Allele origin: germline. Affected: yes.
Comment: Not observed at significant frequency in large population cohorts (gnomAD); In silico analysis supports that this missense variant does not alter protein structure/function; Has not been previously published as pathogenic or benign to our knowledge